The following is an entry in ClinVar:

ClinVar aggregate classification (germline): Uncertain significance (1 of 4 stars; one submission).

Conditions:
Myopathy, centronuclear, 2 (CNM2). Also called: MYOTUBULAR MYOPATHY, AUTOSOMAL RECESSIVE. Identifiers: Orphanet 169186, MedGen CN031787, MONDO:0009709, OMIM 255200.

gnomAD v4.1: 2 of 1,586,212 alleles (0.00013%); highest among the groups gnomAD compares: Admixed American, 0.0036%; no homozygotes.

Submission:

Labcorp Genetics (formerly Invitae), Labcorp
Classification: Uncertain significance for Myopathy, centronuclear, 2. Last evaluated: 2019-11-06. Review status: criteria provided, single submitter. Criteria: Invitae Variant Classification Sherloc (09022015). Collection method: clinical testing. Allele origin: germline.
Comment: This sequence change replaces glutamic acid with glutamine at codon 315 of the BIN1 protein (p.Glu315Gln). The glutamic acid residue is moderately conserved and there is a small physicochemical difference between glutamic acid and glutamine. This variant is not present in population databases (ExAC no frequency). This variant has been observed in individual(s) with clinical features of congenital myopathy (Invitae). Algorithms developed to predict the effect of missense changes on protein structure and function are either unavailable or do not agree on the potential impact of this missense change (SIFT: "Tolerated"; PolyPhen-2: "Possibly Damaging"; Align-GVGD: "Class C0"). In summary, the available evidence is currently insufficient to determine the role of this variant in disease. Therefore, it has been classified as a Variant of Uncertain Significance.

NM_139343.3(BIN1):c.943G>C (p.Glu315Gln)

Gene: BIN1 (bridging integrator 1; minus strand). Cytogenetic location: 2q14.3.
Variant type: single nucleotide variant.
Coding change: c.943G>C on transcript NM_139343.3 (MANE Select); coding-DNA position 943, G replaced by C.
Protein change: p.Glu315Gln; replaces glutamic acid 315 with glutamine.
Molecular consequence: missense variant.
Genome position (GRCh38, 1-based): chr2:127,059,070, C>G on the plus strand (G>C on the coding strand, the complement: BIN1 is on the minus strand). VCF-style: chr2-127059070-C-G. GRCh37 (hg19) VCF-style: chr2-127816646-C-G.
Other names: c.895G>C, p.Glu299Gln (NM_001320632.2, NM_004305.4, NM_139346.3); c.943G>C, p.Glu315Gln (NM_001320633.2, NM_001320640.2, NM_139344.3 and 1 more transcripts); c.778G>C, p.Glu260Gln (NM_001320634.1); c.850G>C, p.Glu284Gln (NM_001320641.2, NM_139347.3, NM_139348.3 and 3 more transcripts); c.862G>C, p.Glu288Gln (NM_001320642.1); short protein forms E288Q, E315Q, E260Q, E284Q, E299Q.
Identifiers: ClinVar variation 964258 (VCV000964258.9), dbSNP rs769801396, ClinGen allele CA348379450.
Genomic context (GRCh38, chr2:127,059,070, plus strand): 5'-CCTGAGATGGGGACTTGGGGAGGGTGGCCCCGGGCGTGGCCCCGCCGGCCGGCTCTGGCT[C>G]GTGGTTGACTCTGATCTCGGGGGTGGCGGCAGGGGAGCCATCTGGAGGCGAAGGGCTCTT-3'
Protein context (NP_647593.1, residues 305-325): AATPEIRVNH[Glu315Gln]PEPAGGATPG